The following is an entry in ClinVar:

ClinVar aggregate classification (germline): Uncertain significance (1 of 4 stars; one submission).

Conditions:
CHD8-related disorder. Also called: CHD8-related condition; CHD8-related disorders.

Submission:

PreventionGenetics, part of Exact Sciences
Classification: Uncertain significance for CHD8-related condition. Last evaluated: 2025-07-16. Review status: criteria provided, single submitter. Criteria: ACMG Guidelines, 2015. Collection method: clinical testing. Allele origin: germline.
Comment: The CHD8 c.1532T>C variant is predicted to result in the amino acid substitution p.Leu511Pro. To our knowledge, this variant has not been reported in the literature. This variant is absent in a large population database (gnomAD), indicating this variant is rare. At this time, the clinical significance of this variant is uncertain due to the absence of conclusive functional and genetic evidence.

NM_001170629.2(CHD8):c.1532T>C (p.Leu511Pro)

Gene: CHD8 (chromodomain helicase DNA binding protein 8; minus strand). Cytogenetic location: 14q11.2.
Variant type: single nucleotide variant.
Coding change: c.1532T>C on transcript NM_001170629.2 (MANE Select); coding-DNA position 1532, T replaced by C.
Protein change: p.Leu511Pro; replaces leucine 511 with proline.
Molecular consequence: missense variant.
Genome position (GRCh38, 1-based): chr14:21,427,938, A>G on the plus strand (T>C on the coding strand, the complement: CHD8 is on the minus strand). VCF-style: chr14-21427938-A-G. GRCh37 (hg19) VCF-style: chr14-21896097-A-G.
Other names: c.695T>C, p.Leu232Pro (NM_020920.4); short protein forms L232P, L511P.
Identifiers: ClinVar variation 4985694 (VCV004985694.1).